The following is an entry in ClinVar:

ClinVar aggregate classification (germline): Uncertain significance (1 of 4 stars; one submission).

Submission:

Labcorp Genetics (formerly Invitae), Labcorp
Classification: Uncertain significance. Last evaluated: 2024-08-19. Review status: criteria provided, single submitter. Criteria: Invitae Variant Classification Sherloc (09022015). Collection method: clinical testing. Allele origin: germline.
Comment: This sequence change replaces glutamic acid, which is acidic and polar, with aspartic acid, which is acidic and polar, at codon 199 of the CTR9 protein (p.Glu199Asp). This variant is not present in population databases (gnomAD no frequency). This variant has not been reported in the literature in individuals affected with CTR9-related conditions. An algorithm developed to predict the effect of missense changes on protein structure and function (PolyPhen-2) suggests that this variant is likely to be tolerated. Algorithms developed to predict the effect of sequence changes on RNA splicing suggest that this variant may create or strengthen a splice site. In summary, the available evidence is currently insufficient to determine the role of this variant in disease. Therefore, it has been classified as a Variant of Uncertain Significance.

NM_014633.5(CTR9):c.597A>T (p.Glu199Asp)

Gene: CTR9 (CTR9 component of Paf1/RNA polymerase II complex; plus strand). Cytogenetic location: 11p15.4.
Variant type: single nucleotide variant.
Coding change: c.597A>T on transcript NM_014633.5 (MANE Select); coding-DNA position 597, A replaced by T.
Protein change: p.Glu199Asp; replaces glutamic acid 199 with aspartic acid.
Molecular consequence: missense variant.
Genome position (GRCh38, 1-based): chr11:10,760,177, A>T. VCF-style: chr11-10760177-A-T. GRCh37 (hg19) VCF-style: chr11-10781724-A-T.
Other names: c.597A>T, p.Glu199Asp (NM_001346279.2); short protein forms E199D.
Identifiers: ClinVar variation 3693660 (VCV003693660.2).
Genomic context (GRCh38, chr11:10,760,177, plus strand): 5'-TAATTGAACTCTAAAAAATGCCCTAGTTTGATAGATTGAATGACTTCATTTTATAGCGGA[A>T]GTTCGTTTAGGAATGGGTCATTGCTTTGTGAAACTTAACAAACTGGAAAAAGCTCGTCTG-3'
Protein context (NP_055448.1, residues 189-209): ALRTNPGCPA[Glu199Asp]VRLGMGHCFV